The following is an entry in ClinVar:

ClinVar aggregate classification (germline): Likely pathogenic (1 of 4 stars; one submission).

Submission:

Labcorp Genetics (formerly Invitae), Labcorp
Classification: Likely pathogenic. Last evaluated: 2025-01-28. Review status: criteria provided, single submitter. Criteria: Invitae Variant Classification Sherloc (09022015). Collection method: clinical testing. Allele origin: germline.
Comment: This sequence change affects an acceptor splice site in intron 20 of the SKIV2L gene. It is expected to disrupt RNA splicing. Variants that disrupt the donor or acceptor splice site typically lead to a loss of protein function (PMID: 16199547), and loss-of-function variants in SKIV2L are known to be pathogenic (PMID: 22444670). This variant is not present in population databases (gnomAD no frequency). This variant has not been reported in the literature in individuals affected with SKIV2L-related conditions. Algorithms developed to predict the effect of sequence changes on RNA splicing suggest that this variant may disrupt the consensus splice site. In summary, the currently available evidence indicates that the variant is pathogenic, but additional data are needed to prove that conclusively. Therefore, this variant has been classified as Likely Pathogenic.

Literature cited by the submitters: PubMed 16199547; PubMed 22444670.

NM_006929.5(SKIC2):c.2479-2A>T

Gene: SKIC2 (SKI2 subunit of superkiller complex; plus strand). Cytogenetic location: 6p21.33.
Variant type: single nucleotide variant.
Coding change: c.2479-2A>T on transcript NM_006929.5 (MANE Select); the canonical splice acceptor site of the intron before coding-DNA position 2479, A replaced by T.
Molecular consequence: splice acceptor variant.
Genome position (GRCh38, 1-based): chr6:31,967,271, A>T. VCF-style: chr6-31967271-A-T. GRCh37 (hg19) VCF-style: chr6-31935048-A-T.
Identifiers: ClinVar variation 3729719 (VCV003729719.2).
Genomic context (GRCh38, chr6:31,967,271, plus strand): 5'-CTAAACTTAGTCCAAGTGTCTGTCCCTGTGATGCCTCCTCCCATCTGTCCTTTGCTCTTC[A>T]GCGACGCATCATGGAGTCTGTGAACGGGCTGAAGTCTCTCTCAGCAGGAAGGGTGGTGGT-3'